The following is an entry in ClinVar:

ClinVar aggregate classification (germline): Likely benign (1 of 4 stars; one submission).

Allele frequency attached by ClinVar (database versions not stated): gnomAD exomes below 0.00001.
gnomAD v4.1: 1 of 1,614,166 alleles (0.000062%); highest among the groups gnomAD compares: Non-Finnish European, 0.000085%; no homozygotes.

Submission:

CeGaT Center for Human Genetics Tuebingen
Classification: Likely benign. Last evaluated: 2022-07-01. Review status: criteria provided, single submitter. Criteria: CeGaT Center For Human Genetics Tuebingen Variant Classification Criteria Version 2. Collection method: clinical testing. Allele origin: germline. Affected: yes. Observed: 1 variant allele.
Comment: CEP85L: PM2:Supporting, BP4, BP7

NM_001042475.3(CEP85L):c.984T>A (p.Ile328=)

Gene: CEP85L (centrosomal protein 85L; minus strand). Cytogenetic location: 6q22.31.
Variant type: single nucleotide variant.
Coding change: c.984T>A on transcript NM_001042475.3 (MANE Select); coding-DNA position 984, T replaced by A.
Protein change: p.Ile328=; no amino-acid change (isoleucine 328 retained).
Molecular consequence: synonymous variant.
Genome position (GRCh38, 1-based): chr6:118,565,565, A>T on the plus strand (T>A on the coding strand, the complement: CEP85L is on the minus strand). VCF-style: chr6-118565565-A-T. GRCh37 (hg19) VCF-style: chr6-118886728-A-T.
Other names: c.993T>A, p.Ile331= (NM_001178035.2); c.984T>A, p.Ile328= (NM_206921.3).
Identifiers: ClinVar variation 2656885 (VCV002656885.24), dbSNP rs2534370024, ClinGen allele CA452132222.
Genomic context (GRCh38, chr6:118,565,565, plus strand): 5'-CAAACACTAGATTTTGCACCTTACCTGCATTGGTGTTTCACTTCCTTGTCGAAAGTCTTC[A>T]ATTTGCTGCTGTTGCCAAGGAGCTAAACTGTAAGAATCCTCTGTATTTCTACCTTCCAAA-3'
Protein context (NP_001035940.1, residues 318-338): YSLAPWQQQQ[Ile328=]EDFRQGSETP